The following is an entry in ClinVar:

NM_198576.4(AGRN):c.4728C>G (p.Cys1576Trp)

Gene: AGRN (agrin; plus strand). Cytogenetic location: 1p36.33.
Variant type: single nucleotide variant.
Coding change: c.4728C>G on transcript NM_198576.4 (MANE Select); coding-DNA position 4728, C replaced by G.
Protein change: p.Cys1576Trp; replaces cysteine 1576 with tryptophan.
Molecular consequence: missense variant.
Genome position (GRCh38, 1-based): chr1:1,049,779, C>G. VCF-style: chr1-1049779-C-G. GRCh37 (hg19) VCF-style: chr1-985159-C-G.
Other names: c.4728C>G, p.Cys1576Trp (NM_001305275.2); c.4413C>G, p.Cys1471Trp (NM_001364727.2); short protein forms C1471W, C1576W.
Identifiers: ClinVar variation 1466058 (VCV001466058.8), dbSNP rs931498089, ClinGen allele CA337779242.
Genomic context (GRCh38, chr1:1,049,779, plus strand): 5'-CCCCTGCCATGGCGGGGCCCCATGCCAGAACCTGGAGGCTGGAAGGTTCCATTGCCAGTG[C>G]CCGCCCGGCCGCGTCGGTGAGGGTGGGGCCGGGGCGGGTGGGAGTGGGACCCCGGGGCCT-3'
Protein context (NP_940978.2, residues 1566-1586): NLEAGRFHCQ[Cys1576Trp]PPGRVGPTCA

ClinVar aggregate classification (germline): Uncertain significance (1 of 4 stars; one submission).

Conditions:
Congenital myasthenic syndrome 8. Also called: MYASTHENIC SYNDROME, CONGENITAL, DUE TO AGRIN DEFICIENCY; Myasthenic syndrome, congenital, 8, with pre- and postsynaptic defects. Identifiers: Orphanet 590, MedGen C3808739, MONDO:0014052, OMIM 615120.

gnomAD v4.1: 1 of 1,591,602 alleles (0.000063%); highest among the groups gnomAD compares: Non-Finnish European, 0.000085%; no homozygotes.

Submission:

Labcorp Genetics (formerly Invitae), Labcorp
Classification: Uncertain significance for Congenital myasthenic syndrome 8. Last evaluated: 2022-03-23. Review status: criteria provided, single submitter. Criteria: Invitae Variant Classification Sherloc (09022015). Collection method: clinical testing. Allele origin: germline.
Comment: In summary, the available evidence is currently insufficient to determine the role of this variant in disease. Therefore, it has been classified as a Variant of Uncertain Significance. This sequence change replaces cysteine, which is neutral and slightly polar, with tryptophan, which is neutral and slightly polar, at codon 1576 of the AGRN protein (p.Cys1576Trp). Algorithms developed to predict the effect of missense changes on protein structure and function are either unavailable or do not agree on the potential impact of this missense change (SIFT: "Deleterious"; PolyPhen-2: "Possibly Damaging"; Align-GVGD: "Class C15"). This variant has not been reported in the literature in individuals affected with AGRN-related conditions. This variant is not present in population databases (gnomAD no frequency).